The following is an entry in ClinVar:

ClinVar aggregate classification (germline): Uncertain significance (1 of 4 stars; one submission).

Allele frequency attached by ClinVar (database versions not stated): gnomAD 0.00001; gnomAD exomes below 0.00001; TOPMed 0.00001.
gnomAD v4.1: 4 of 1,610,752 alleles (0.00025%); highest among the groups gnomAD compares: African/African-American, 0.0013%; no homozygotes.

Submission:

Labcorp Genetics (formerly Invitae), Labcorp
Classification: Uncertain significance. Last evaluated: 2025-06-23. Review status: criteria provided, single submitter. Criteria: Invitae Variant Classification Sherloc (09022015). Collection method: clinical testing. Allele origin: germline.
Comment: This sequence change replaces proline, which is neutral and non-polar, with leucine, which is neutral and non-polar, at codon 1359 of the HMCN1 protein (p.Pro1359Leu). This variant is present in population databases (no rsID available, gnomAD 0.007%). This variant has not been reported in the literature in individuals affected with HMCN1-related conditions. ClinVar contains an entry for this variant (Variation ID: 3012909). An algorithm developed to predict the effect of missense changes on protein structure and function (PolyPhen-2) suggests that this variant is likely to be disruptive. In summary, the available evidence is currently insufficient to determine the role of this variant in disease. Therefore, it has been classified as a Variant of Uncertain Significance.

NM_031935.3(HMCN1):c.4076C>T (p.Pro1359Leu)

Gene: HMCN1 (hemicentin 1; plus strand). Cytogenetic location: 1q31.1.
Variant type: single nucleotide variant.
Coding change: c.4076C>T on transcript NM_031935.3 (MANE Select); coding-DNA position 4076, C replaced by T.
Protein change: p.Pro1359Leu; replaces proline 1359 with leucine.
Molecular consequence: missense variant.
Genome position (GRCh38, 1-based): chr1:186,001,304, C>T. VCF-style: chr1-186001304-C-T. GRCh37 (hg19) VCF-style: chr1-185970436-C-T.
Other names: short protein forms P1359L.
Identifiers: ClinVar variation 3012909 (VCV003012909.3), dbSNP rs1425406097, ClinGen allele CA343875675.